The following is an entry in ClinVar:

NM_001018115.3(FANCD2):c.733A>G (p.Ile245Val)

Genes: FANCD2 (FA complementation group D2; plus strand), LOC107303338 (3p25 FANCD2 Alu-mediated recombination region; plus strand). Cytogenetic location: 3p25.3.
Variant type: single nucleotide variant.
Coding change: c.733A>G on transcript NM_001018115.3 (MANE Select); coding-DNA position 733, A replaced by G.
Protein change: p.Ile245Val; replaces isoleucine 245 with valine.
Molecular consequence: missense variant.
Genome position (GRCh38, 1-based): chr3:10,041,660, A>G. VCF-style: chr3-10041660-A-G. GRCh37 (hg19) VCF-style: chr3-10083344-A-G.
Other names: c.733A>G, p.Ile245Val (NM_001319984.2, NM_001374253.1, NM_001374254.1 and 1 more transcripts); short protein forms I245V.
Identifiers: ClinVar variation 2083518 (VCV002083518.3), dbSNP rs1559374364, ClinGen allele CA351726401.
Genomic context (GRCh38, chr3:10,041,660, plus strand): 5'-TTTTCTTTTTCTACCATTCACAGTGACCTACTGATAGAGAATACTTCACTCACTGTCCCA[A>G]TCCTGGATGTCCTTTCAAGCCTCCGACTTGACCCAAACTTCCTATTGAAGGTAGAAAAGA-3'
Protein context (NP_001018125.1, residues 235-255): LIENTSLTVP[Ile245Val]LDVLSSLRLD

ClinVar aggregate classification (germline): Uncertain significance (1 of 4 stars; one submission).

Conditions:
Fanconi anemia (FA). Also called: Fanconi's anemia. Identifiers: Orphanet 84, MedGen C0015625, MeSH D005199, MONDO:0019391.

Allele frequency attached by ClinVar (database versions not stated): gnomAD exomes below 0.00001.
gnomAD v4.1: 2 of 1,613,830 alleles (0.00012%); highest among the groups gnomAD compares: East Asian, 0.0022%; no homozygotes.

Submission:

Labcorp Genetics (formerly Invitae), Labcorp
Classification: Uncertain significance for Fanconi anemia. Last evaluated: 2024-06-11. Review status: criteria provided, single submitter. Criteria: Invitae Variant Classification Sherloc (09022015). Collection method: clinical testing. Allele origin: germline.
Comment: This sequence change replaces isoleucine, which is neutral and non-polar, with valine, which is neutral and non-polar, at codon 245 of the FANCD2 protein (p.Ile245Val). This variant is present in population databases (no rsID available, gnomAD 0.006%). This variant has not been reported in the literature in individuals affected with FANCD2-related conditions. ClinVar contains an entry for this variant (Variation ID: 2083518). Advanced modeling of protein sequence and biophysical properties (such as structural, functional, and spatial information, amino acid conservation, physicochemical variation, residue mobility, and thermodynamic stability) performed at Invitae indicates that this missense variant is not expected to disrupt FANCD2 protein function with a negative predictive value of 80%. In summary, the available evidence is currently insufficient to determine the role of this variant in disease. Therefore, it has been classified as a Variant of Uncertain Significance.